The following is an entry in ClinVar:

ClinVar aggregate classification (germline): Uncertain significance. Review status: criteria provided, single submitter (1 of 4 stars). 2 submissions from 2 submitters: Uncertain significance (1). 1 of the submissions does not count toward it. Last evaluated 2022-07-26.

Conditions:
BBS1-related disorder. Also called: BBS1-related condition.
Bardet-Biedl syndrome (BBS). Identifiers: Orphanet 110, MedGen C0752166, MONDO:0015229.

Allele frequency attached by ClinVar (database versions not stated): gnomAD 0.00001; ExAC 0.00002; TOPMed 0.00002.
gnomAD v4.1: 10 of 1,614,064 alleles (0.00062%); highest among the groups gnomAD compares: Admixed American, 0.01%; no homozygotes.

Submissions (2):

Labcorp Genetics (formerly Invitae), Labcorp
Classification: Uncertain significance for Bardet-Biedl syndrome. Last evaluated: 2022-07-26. Review status: criteria provided, single submitter. Criteria: Invitae Variant Classification Sherloc (09022015). Collection method: clinical testing. Allele origin: germline.
Comment: This sequence change replaces serine, which is neutral and polar, with phenylalanine, which is neutral and non-polar, at codon 5 of the BBS1 protein (p.Ser5Phe). This variant is present in population databases (rs755308059, gnomAD 0.009%). This variant has not been reported in the literature in individuals affected with BBS1-related conditions. Algorithms developed to predict the effect of missense changes on protein structure and function are either unavailable or do not agree on the potential impact of this missense change (SIFT: "Tolerated"; PolyPhen-2: "Not Available"; Align-GVGD: "Class C0"). In summary, the available evidence is currently insufficient to determine the role of this variant in disease. Therefore, it has been classified as a Variant of Uncertain Significance.

PreventionGenetics, part of Exact Sciences
Classification: Uncertain significance for BBS1-related condition. Last evaluated: 2024-08-22. Review status: no assertion criteria provided. Collection method: clinical testing. Allele origin: germline. Not counted in ClinVar's aggregate classification.
Comment: The BBS1 c.14C>T variant is predicted to result in the amino acid substitution p.Ser5Phe. To our knowledge, this variant has not been reported in the literature. This variant is reported in 0.0087% of alleles in individuals of Latino descent in gnomAD. At this time, the clinical significance of this variant is uncertain due to the absence of conclusive functional and genetic evidence.

NM_024649.5(BBS1):c.14C>T (p.Ser5Phe)

Gene: BBS1 (Bardet-Biedl syndrome 1; plus strand). Cytogenetic location: 11q13.2.
Variant type: single nucleotide variant.
Coding change: c.14C>T on transcript NM_024649.5 (MANE Select); coding-DNA position 14, C replaced by T.
Protein change: p.Ser5Phe; replaces serine 5 with phenylalanine.
Molecular consequence: missense variant.
Genome position (GRCh38, 1-based): chr11:66,510,673, C>T. VCF-style: chr11-66510673-C-T. GRCh37 (hg19) VCF-style: chr11-66278144-C-T.
Other names: c.14C>T (NM_024649.4); short protein forms S5F.
Identifiers: ClinVar variation 2164241 (VCV002164241.3), dbSNP rs755308059, ClinGen allele CA6123181.